The following is an entry in ClinVar:

ClinVar aggregate classification (germline): Uncertain significance (1 of 4 stars; one submission).

Conditions:
Cardiomyopathy (CMYO). Also called: Cardiomyopathies. Identifiers: Orphanet 167848, MedGen C0878544, MONDO:0004994, HP:0001638. Inheritance: Various modes of inheritance.

Submission:

Color Diagnostics, LLC DBA Color Health
Classification: Uncertain significance for Cardiomyopathy. Last evaluated: 2018-11-29. Review status: criteria provided, single submitter. Criteria: ACMG Guidelines, 2015. Collection method: clinical testing. Allele origin: germline.
Comment: Variant of Uncertain Significance due to insufficient evidence: This missense variant is located in the head domain of the PKP2 protein. Computational prediction tools and conservation analyses are inconclusive regarding the impact of this variant on the protein function. Computational splicing tools suggest that this variant may not impact RNA splicing. To our knowledge, functional assays have not been performed for this variant nor has this variant been reported in individuals affected with cardiovascular disorders in the literature. This variant is rare in the general population and has been identified in 0/277264 chromosomes by the Genome Aggregation Database (gnomAD). Available evidence is insufficient to determine the pathogenicity of this variant conclusively.

NM_001005242.3(PKP2):c.764T>A (p.Leu255His)

Gene: PKP2 (plakophilin 2; minus strand). Cytogenetic location: 12p11.21.
Variant type: single nucleotide variant.
Coding change: c.764T>A on transcript NM_001005242.3 (MANE Select); coding-DNA position 764, T replaced by A.
Protein change: p.Leu255His; replaces leucine 255 with histidine.
Molecular consequence: missense variant.
Genome position (GRCh38, 1-based): chr12:32,878,116, A>T on the plus strand (T>A on the coding strand, the complement: PKP2 is on the minus strand). VCF-style: chr12-32878116-A-T. GRCh37 (hg19) VCF-style: chr12-33031050-A-T.
Other names: c.764T>A, p.Leu255His (NM_004572.4); short protein forms L255H.
Identifiers: ClinVar variation 925185 (VCV000925185.3), dbSNP rs1956951118, ClinGen allele CA384362660.